The following is an entry in ClinVar:

NM_014633.5(CTR9):c.2524C>T (p.Arg842Trp)

Gene: CTR9 (CTR9 component of Paf1/RNA polymerase II complex; plus strand). Cytogenetic location: 11p15.4.
Variant type: single nucleotide variant.
Coding change: c.2524C>T on transcript NM_014633.5 (MANE Select); coding-DNA position 2524, C replaced by T.
Protein change: p.Arg842Trp; replaces arginine 842 with tryptophan.
Molecular consequence: missense variant.
Genome position (GRCh38, 1-based): chr11:10,772,599, C>T. VCF-style: chr11-10772599-C-T. GRCh37 (hg19) VCF-style: chr11-10794146-C-T.
Other names: c.2452C>T, p.Arg818Trp (NM_001346279.2); short protein forms R842W, R818W.
Identifiers: ClinVar variation 2171813 (VCV002171813.4), dbSNP rs757474491, ClinGen allele CA5885347.

ClinVar aggregate classification (germline): Uncertain significance (1 of 4 stars; one submission).

Allele frequency attached by ClinVar (database versions not stated): ExAC 0.00001; gnomAD 0.00001; gnomAD exomes 0.00001; TOPMed 0.00001.
gnomAD v4.1: 11 of 1,610,888 alleles (0.00068%); highest among the groups gnomAD compares: African/African-American, 0.0027%; no homozygotes.

Submission:

Labcorp Genetics (formerly Invitae), Labcorp
Classification: Uncertain significance. Last evaluated: 2024-04-22. Review status: criteria provided, single submitter. Criteria: Invitae Variant Classification Sherloc (09022015). Collection method: clinical testing. Allele origin: germline.
Comment: This sequence change replaces arginine, which is basic and polar, with tryptophan, which is neutral and slightly polar, at codon 842 of the CTR9 protein (p.Arg842Trp). The frequency data for this variant in the population databases is considered unreliable, as metrics indicate poor data quality at this position in the gnomAD database. This variant has not been reported in the literature in individuals affected with CTR9-related conditions. ClinVar contains an entry for this variant (Variation ID: 2171813). An algorithm developed to predict the effect of missense changes on protein structure and function (PolyPhen-2) suggests that this variant is likely to be disruptive. In summary, the available evidence is currently insufficient to determine the role of this variant in disease. Therefore, it has been classified as a Variant of Uncertain Significance.